The following is an entry in ClinVar:

NM_000465.4(BARD1):c.1712T>A (p.Val571Glu)

Gene: BARD1 (BRCA1 associated RING domain 1; minus strand). Cytogenetic location: 2q35.
Variant type: single nucleotide variant.
Coding change: c.1712T>A on transcript NM_000465.4 (MANE Select); coding-DNA position 1712, T replaced by A.
Protein change: p.Val571Glu; replaces valine 571 with glutamic acid.
Molecular consequence: missense variant. On other transcripts: non-coding transcript variant (3), intron variant (1).
Genome position (GRCh38, 1-based): chr2:214,745,820, A>T on the plus strand (T>A on the coding strand, the complement: BARD1 is on the minus strand). VCF-style: chr2-214745820-A-T. GRCh37 (hg19) VCF-style: chr2-215610544-A-T.
Other names: c.1655T>A, p.Val552Glu (NM_001282543.2); c.359T>A, p.Val120Glu (NM_001282545.2); c.302T>A, p.Val101Glu (NM_001282548.2); c.365-15312T>A (NM_001282549.2); short protein forms V120E, V571E, V552E, V101E.
Identifiers: ClinVar variation 819887 (VCV000819887.15), dbSNP rs1574739590, ClinGen allele CA350453189.

ClinVar aggregate classification (germline): Uncertain significance. Review status: criteria provided, multiple submitters, no conflicts (2 of 4 stars). 4 submissions from 4 submitters: Uncertain significance (4). Last evaluated 2025-10-27.

Conditions:
Hereditary cancer-predisposing syndrome. Also called: Neoplastic Syndromes, Hereditary; Tumor predisposition; Hereditary Cancer Syndrome; Hereditary neoplastic syndrome. Identifiers: Orphanet 140162, MedGen C0027672, MeSH D009386, MONDO:0015356.
Familial cancer of breast. Also called: BREAST CANCER, FAMILIAL; Hereditary breast cancer; hereditary breast carcinoma. Identifiers: Orphanet 227535, MedGen C0346153, MONDO:0016419, OMIM 114480. Disease mechanism: loss of function.

Allele frequency attached by ClinVar (database versions not stated): gnomAD exomes below 0.00001.
gnomAD v4.1: 1 of 1,614,068 alleles (0.000062%); highest among the groups gnomAD compares: East Asian, 0.0022%; no homozygotes.

Submissions (4):

Labcorp Genetics (formerly Invitae), Labcorp
Classification: Uncertain significance for Familial cancer of breast. Last evaluated: 2025-10-27. Review status: criteria provided, single submitter. Criteria: Invitae Variant Classification Sherloc (09022015). Collection method: clinical testing. Allele origin: germline.
Comment: This sequence change replaces valine, which is neutral and non-polar, with glutamic acid, which is acidic and polar, at codon 571 of the BARD1 protein (p.Val571Glu). This variant is not present in population databases (gnomAD no frequency). This variant has not been reported in the literature in individuals affected with BARD1-related conditions. ClinVar contains an entry for this variant (Variation ID: 819887). An algorithm developed to predict the effect of missense changes on protein structure and function (PolyPhen-2) suggests that this variant is likely to be disruptive. In summary, the available evidence is currently insufficient to determine the role of this variant in disease. Therefore, it has been classified as a Variant of Uncertain Significance.

Ambry Genetics
Classification: Uncertain significance for Hereditary cancer-predisposing syndrome. Last evaluated: 2023-01-18. Review status: criteria provided, single submitter. Criteria: Ambry Variant Classification Scheme 2023. Collection method: clinical testing. Allele origin: germline.
Comment: The p.V571E variant (also known as c.1712T>A), located in coding exon 8 of the BARD1 gene, results from a T to A substitution at nucleotide position 1712. The valine at codon 571 is replaced by glutamic acid, an amino acid with dissimilar properties. This amino acid position is well conserved in available vertebrate species. In addition, this alteration is predicted to be deleterious by in silico analysis. Since supporting evidence is limited at this time, the clinical significance of this alteration remains unclear.

Quest Diagnostics Nichols Institute San Juan Capistrano
Classification: Uncertain significance. Last evaluated: 2021-04-15. Review status: criteria provided, single submitter. Criteria: Quest Diagnostics criteria. Collection method: clinical testing. Allele origin: unknown.

Color Diagnostics, LLC DBA Color Health
Classification: Uncertain significance for Hereditary cancer-predisposing syndrome. Last evaluated: 2021-03-22. Review status: criteria provided, single submitter. Criteria: ACMG Guidelines, 2015. Collection method: clinical testing. Allele origin: germline.
Comment: This missense variant replaces valine with glutamic acid at codon 571 of the BARD1 protein. Computational prediction suggests that this variant may not impact protein structure and function (internally defined REVEL score threshold <= 0.5, PMID: 27666373). A functional study has reported that the BARD1 protein with two missense changes (p.Leu570Glu, p.Val571Glu) exhibits reduced interaction with the HP1 protein in vitro (PMID: 25634209). To our knowledge, this variant has not been reported in individuals affected with hereditary cancer in the literature. This variant has not been identified in the general population by the Genome Aggregation Database (gnomAD). The available evidence is insufficient to determine the role of this variant in disease conclusively. Therefore, this variant is classified as a Variant of Uncertain Significance.

Literature cited by the submitters: PubMed 25634209 (cited by Quest Diagnostics Nichols Institute San Juan Capistrano).